The following is an entry in ClinVar:

NM_000075.4(CDK4):c.792G>A (p.Met264Ile)

Genes: CDK4 (cyclin dependent kinase 4; minus strand), TSPAN31 (tetraspanin 31; plus strand). Cytogenetic location: 12q14.1.
Variant type: single nucleotide variant.
Coding change: c.792G>A on transcript NM_000075.4 (MANE Select); coding-DNA position 792, G replaced by A.
Protein change: p.Met264Ile; replaces methionine 264 with isoleucine.
Molecular consequence: missense variant. On other transcripts: 3 prime UTR variant (3).
Genome position (GRCh38, 1-based): chr12:57,749,209, C>T on the plus strand (G>A on the coding strand, the complement: CDK4 is on the minus strand). VCF-style: chr12-57749209-C-T. GRCh37 (hg19) VCF-style: chr12-58142992-C-T.
Other names: c.*1919C>T (NM_001330168.2, NM_001330169.2, NM_005981.5); short protein forms M264I.
Identifiers: ClinVar variation 1037596 (VCV001037596.9), dbSNP rs1955200108, ClinGen allele CA385543068.

ClinVar aggregate classification (germline): Conflicting classifications of pathogenicity. Review status: criteria provided, conflicting classifications (1 of 4 stars). 2 submissions from 2 submitters: Uncertain significance (1); Likely benign (1). Last evaluated 2024-08-13.

Conditions:
Familial melanoma. Also called: Hereditary melanoma; Hereditary cutaneous melanoma. Identifiers: Orphanet 618, MedGen C1512419, MONDO:0018961.
Hereditary cancer-predisposing syndrome. Also called: Neoplastic Syndromes, Hereditary; Hereditary Cancer Syndrome; Tumor predisposition; Hereditary neoplastic syndrome. Identifiers: Orphanet 140162, MedGen C0027672, MeSH D009386, MONDO:0015356.

Submissions (2):

Labcorp Genetics (formerly Invitae), Labcorp
Classification: Uncertain significance for Familial melanoma. Last evaluated: 2024-08-13. Review status: criteria provided, single submitter. Criteria: Invitae Variant Classification Sherloc (09022015). Collection method: clinical testing. Allele origin: germline.
Comment: This sequence change replaces methionine, which is neutral and non-polar, with isoleucine, which is neutral and non-polar, at codon 264 of the CDK4 protein (p.Met264Ile). This variant is not present in population databases (gnomAD no frequency). This variant has not been reported in the literature in individuals affected with CDK4-related conditions. ClinVar contains an entry for this variant (Variation ID: 1037596). Invitae Evidence Modeling of protein sequence and biophysical properties (such as structural, functional, and spatial information, amino acid conservation, physicochemical variation, residue mobility, and thermodynamic stability) indicates that this missense variant is not expected to disrupt CDK4 protein function with a negative predictive value of 95%. In summary, the available evidence is currently insufficient to determine the role of this variant in disease. Therefore, it has been classified as a Variant of Uncertain Significance.

Ambry Genetics
Classification: Likely benign for Hereditary cancer-predisposing syndrome. Last evaluated: 2024-02-16. Review status: criteria provided, single submitter. Criteria: Ambry Variant Classification Scheme 2023. Collection method: clinical testing. Allele origin: germline.